The following is an entry in ClinVar:

NM_002047.4(GARS1):c.974A>T (p.Gln325Leu)

Gene: GARS1 (glycyl-tRNA synthetase 1; plus strand). Cytogenetic location: 7p14.3.
Variant type: single nucleotide variant.
Coding change: c.974A>T on transcript NM_002047.4 (MANE Select); coding-DNA position 974, A replaced by T.
Protein change: p.Gln325Leu; replaces glutamine 325 with leucine.
Molecular consequence: missense variant.
Genome position (GRCh38, 1-based): chr7:30,612,188, A>T. VCF-style: chr7-30612188-A-T. GRCh37 (hg19) VCF-style: chr7-30651804-A-T.
Other names: c.812A>T, p.Gln271Leu (NM_001316772.1); short protein forms Q325L, Q271L.
Identifiers: ClinVar variation 3730788 (VCV003730788.2).

ClinVar aggregate classification (germline): Uncertain significance (1 of 4 stars; one submission).

Conditions:
Charcot-Marie-Tooth disease type 2. Also called: Charcot-Marie-Tooth type 2. Identifiers: Orphanet 64746, MedGen C0270914, MONDO:0018993.

Submission:

Labcorp Genetics (formerly Invitae), Labcorp
Classification: Uncertain significance for Charcot-Marie-Tooth disease type 2. Last evaluated: 2024-03-26. Review status: criteria provided, single submitter. Criteria: Invitae Variant Classification Sherloc (09022015). Collection method: clinical testing. Allele origin: germline.
Comment: This sequence change replaces glutamine, which is neutral and polar, with leucine, which is neutral and non-polar, at codon 325 of the GARS protein (p.Gln325Leu). This variant is not present in population databases (gnomAD no frequency). This variant has not been reported in the literature in individuals affected with GARS-related conditions. Advanced modeling of protein sequence and biophysical properties (such as structural, functional, and spatial information, amino acid conservation, physicochemical variation, residue mobility, and thermodynamic stability) has been performed at Invitae for this missense variant, however the output from this modeling did not meet the statistical confidence thresholds required to predict the impact of this variant on GARS protein function. In summary, the available evidence is currently insufficient to determine the role of this variant in disease. Therefore, it has been classified as a Variant of Uncertain Significance.